The following is an entry in ClinVar:

ClinVar aggregate classification (germline): Uncertain significance (1 of 4 stars; one submission).

Allele frequency attached by ClinVar (database versions not stated): gnomAD exomes below 0.00001; TOPMed below 0.00001.
gnomAD v4.1: 3 of 1,565,036 alleles (0.00019%); highest among the groups gnomAD compares: Non-Finnish European, 0.00026%; no homozygotes.

Submission:

Labcorp Genetics (formerly Invitae), Labcorp
Classification: Uncertain significance. Last evaluated: 2022-09-04. Review status: criteria provided, single submitter. Criteria: Invitae Variant Classification Sherloc (09022015). Collection method: clinical testing. Allele origin: germline.
Comment: This sequence change replaces threonine, which is neutral and polar, with serine, which is neutral and polar, at codon 248 of the GATA5 protein (p.Thr248Ser). In summary, the available evidence is currently insufficient to determine the role of this variant in disease. Therefore, it has been classified as a Variant of Uncertain Significance. Algorithms developed to predict the effect of missense changes on protein structure and function are either unavailable or do not agree on the potential impact of this missense change (SIFT: "Deleterious"; PolyPhen-2: "Probably Damaging"; Align-GVGD: "Class C0"). This variant has not been reported in the literature in individuals affected with GATA5-related conditions. This variant is not present in population databases (gnomAD no frequency).

NM_080473.5(GATA5):c.742A>T (p.Thr248Ser)

Gene: GATA5 (GATA binding protein 5; minus strand). Cytogenetic location: 20q13.33.
Variant type: single nucleotide variant.
Coding change: c.742A>T on transcript NM_080473.5 (MANE Select); coding-DNA position 742, A replaced by T.
Protein change: p.Thr248Ser; replaces threonine 248 with serine.
Molecular consequence: missense variant.
Genome position (GRCh38, 1-based): chr20:62,466,509, T>A on the plus strand (A>T on the coding strand, the complement: GATA5 is on the minus strand). VCF-style: chr20-62466509-T-A. GRCh37 (hg19) VCF-style: chr20-61041565-T-A.
Other names: short protein forms T248S.
Identifiers: ClinVar variation 2041334 (VCV002041334.4), dbSNP rs782597708, ClinGen allele CA9946207.
Genomic context (GRCh38, chr20:62,466,509, plus strand): 5'-CGCAGGCATTGCACACGGGCTCCCCCTCCGAGTTCCGCCGCCACAGCGTGGTGTTGGTCG[T>A]GTGGCAGTTGGTGCAGCAGAGGCCGGCGCGGCGGGACGAGGACTGTGGGGGCGAGGGAGA-3'
Protein context (NP_536721.1, residues 238-258): RAGLCCTNCH[Thr248Ser]TNTTLWRRNS